The following is an entry in ClinVar:

ClinVar aggregate classification (germline): Uncertain significance (1 of 4 stars; one submission).

Conditions:
Autosomal recessive ataxia, Beauce type. Also called: SYNE1 Deficiency; Spinocerebellar ataxia, autosomal recessive 8; ATAXIA, RECESSIVE, OF BEAUCE; SYNE1-Related Autosomal Recessive Cerebellar Ataxia. Identifiers: Orphanet 88644, MedGen C1853116, MONDO:0012549, OMIM 610743.
Emery-Dreifuss muscular dystrophy 4, autosomal dominant (EDMD4). Also called: EMERY-DREIFUSS MUSCULAR DYSTROPHY 4 WITH VARIABLE FEATURES. Identifiers: Orphanet 261, MedGen C2751807, MONDO:0013071, OMIM 612998.

gnomAD v4.1: 14 of 1,614,112 alleles (0.00087%); highest among the groups gnomAD compares: Non-Finnish European, 0.0012%; no homozygotes.

Submission:

Labcorp Genetics (formerly Invitae), Labcorp
Classification: Uncertain significance for Emery-Dreifuss muscular dystrophy 4, autosomal dominant; Autosomal recessive ataxia, Beauce type. Last evaluated: 2022-05-30. Review status: criteria provided, single submitter. Criteria: Invitae Variant Classification Sherloc (09022015). Collection method: clinical testing. Allele origin: germline.
Comment: This sequence change replaces serine, which is neutral and polar, with arginine, which is basic and polar, at codon 8643 of the SYNE1 protein (p.Ser8643Arg). This variant is not present in population databases (gnomAD no frequency). This variant has not been reported in the literature in individuals affected with SYNE1-related conditions. Algorithms developed to predict the effect of missense changes on protein structure and function are either unavailable or do not agree on the potential impact of this missense change (SIFT: "Deleterious"; PolyPhen-2: "Possibly Damaging"; Align-GVGD: "Class C0"). In summary, the available evidence is currently insufficient to determine the role of this variant in disease. Therefore, it has been classified as a Variant of Uncertain Significance.

NM_182961.4(SYNE1):c.26073C>A (p.Ser8691Arg)

Gene: SYNE1 (spectrin repeat containing nuclear envelope protein 1; minus strand). Cytogenetic location: 6q25.2.
Variant type: single nucleotide variant.
Coding change: c.26073C>A on transcript NM_182961.4 (MANE Select); coding-DNA position 26073, C replaced by A.
Protein change: p.Ser8691Arg; replaces serine 8691 with arginine.
Molecular consequence: missense variant.
Genome position (GRCh38, 1-based): chr6:152,132,143, G>T on the plus strand (C>A on the coding strand, the complement: SYNE1 is on the minus strand). VCF-style: chr6-152132143-G-T. GRCh37 (hg19) VCF-style: chr6-152453278-G-T.
Other names: c.2679C>A, p.Ser893Arg (NM_001347701.2); c.2607C>A, p.Ser869Arg (NM_001347702.2); c.25929C>A, p.Ser8643Arg (NM_033071.5); short protein forms S8691R, S869R, S893R, S8643R.
Identifiers: ClinVar variation 2001150 (VCV002001150.4), dbSNP rs2055906945, ClinGen allele CA366075919.